The following is an entry in ClinVar:

ClinVar aggregate classification (germline): Uncertain significance (1 of 4 stars; one submission).

Submissions (2):

Ambry Genetics
Classification: Uncertain significance. Last evaluated: 2023-07-05. Review status: criteria provided, single submitter. Criteria: Ambry Variant Classification Scheme 2023. Collection method: clinical testing. Allele origin: germline.
Comment: The p.V147L variant (also known as c.439G>C), located in coding exon 3 of the POLQ gene, results from a G to C substitution at nucleotide position 439. The valine at codon 147 is replaced by leucine, an amino acid with highly similar properties. This amino acid position is conserved. In addition, this alteration is predicted to be tolerated by in silico analysis. Since supporting evidence is limited at this time, the clinical significance of this alteration remains unclear.

Dr. Peter K. Rogan Lab, Western University
No classification provided (evidence only). Condition: Thyroid cancer, nonmedullary, 1. Review status: no classification provided. Collection method: in vitro. Allele origin: not applicable. Functional consequence: retained intron. Not counted in ClinVar's aggregate classification.

NM_199420.4(POLQ):c.439G>C (p.Val147Leu)

Gene: POLQ (DNA polymerase theta; minus strand). Cytogenetic location: 3q13.33.
Variant type: single nucleotide variant.
Coding change: c.439G>C on transcript NM_199420.4 (MANE Select); coding-DNA position 439, G replaced by C.
Protein change: p.Val147Leu; replaces valine 147 with leucine.
Molecular consequence: missense variant.
Genome position (GRCh38, 1-based): chr3:121,541,384, C>G on the plus strand (G>C on the coding strand, the complement: POLQ is on the minus strand). VCF-style: chr3-121541384-C-G. GRCh37 (hg19) VCF-style: chr3-121260231-C-G.
Other names: NC_000003.11:g.121260231C>G; short protein forms V147L.
Identifiers: ClinVar variation 2624474 (VCV002624474.3), dbSNP rs2048488330, ClinGen allele CA354092808.
Genomic context (GRCh38, chr3:121,541,384, plus strand): 5'-TTTCAAACTTAGTAAAAAACATTACCTGGAGGTAGTATTTCTTCTCTTTAGCCACAGAAA[C>G]AAAGGGAAGAATAAACAAAGCTTTCTTCCGCATTTCCAAAACCCGCTTCAAAATAAGTAA-3'
Protein context (NP_955452.3, residues 137-157): RKKALFILPF[Val147Leu]SVAKEKKYYL